The following is an entry in ClinVar:

ClinVar aggregate classification (germline): Uncertain significance (1 of 4 stars; one submission).

Allele frequency attached by ClinVar (database versions not stated): TOPMed below 0.00001; gnomAD exomes 0.00001.
gnomAD v4.1: 6 of 1,614,046 alleles (0.00037%); highest among the groups gnomAD compares: Non-Finnish European, 0.00051%; no homozygotes.

Submission:

Labcorp Genetics (formerly Invitae), Labcorp
Classification: Uncertain significance. Last evaluated: 2022-02-05. Review status: criteria provided, single submitter. Criteria: Invitae Variant Classification Sherloc (09022015). Collection method: clinical testing. Allele origin: germline.
Comment: This variant has not been reported in the literature in individuals affected with LRP6-related conditions. This variant is present in population databases (no rsID available, gnomAD 0.0009%). This sequence change replaces alanine, which is neutral and non-polar, with proline, which is neutral and non-polar, at codon 1087 of the LRP6 protein (p.Ala1087Pro). Algorithms developed to predict the effect of missense changes on protein structure and function (SIFT, PolyPhen-2, Align-GVGD) all suggest that this variant is likely to be disruptive. In summary, the available evidence is currently insufficient to determine the role of this variant in disease. Therefore, it has been classified as a Variant of Uncertain Significance.

NM_002336.3(LRP6):c.3259G>C (p.Ala1087Pro)

Gene: LRP6 (LDL receptor related protein 6; minus strand). Cytogenetic location: 12p13.2.
Variant type: single nucleotide variant.
Coding change: c.3259G>C on transcript NM_002336.3 (MANE Select); coding-DNA position 3259, G replaced by C.
Protein change: p.Ala1087Pro; replaces alanine 1087 with proline.
Molecular consequence: missense variant.
Genome position (GRCh38, 1-based): chr12:12,147,504, C>G on the plus strand (G>C on the coding strand, the complement: LRP6 is on the minus strand). VCF-style: chr12-12147504-C-G. GRCh37 (hg19) VCF-style: chr12-12300438-C-G.
Other names: c.3259G>C, p.Ala1087Pro (NM_001414244.1, NM_001414245.1, NM_001414246.1 and 4 more transcripts); c.3061G>C, p.Ala1021Pro (NM_001414247.1); c.2806G>C, p.Ala936Pro (NM_001414252.1, NM_001414253.1, NM_001414254.1); c.2752G>C, p.Ala918Pro (NM_001414255.1); short protein forms A1021P, A918P, A1087P, A936P.
Identifiers: ClinVar variation 2006702 (VCV002006702.4), dbSNP rs1158404381, ClinGen allele CA383940959.